The following is an entry in ClinVar:

ClinVar aggregate classification (germline): Likely pathogenic. Review status: criteria provided, single submitter (1 of 4 stars). 4 submissions from 4 submitters: Likely pathogenic (1). 3 of the submissions do not count toward it. Last evaluated 2019-02-01.

Conditions:
Hereditary von Willebrand disease. Identifiers: Orphanet 903, MedGen C5703318, MONDO:0019565. Inheritance: Autosomal recessive or Autosomal dominant.
von Willebrand disease type 3 (VWD3). Also called: Type 3 Von Willebrand's disease; Type 3 VWD; Von Willebrand disease, severe form; V WD3; VON WILLEBRAND DISEASE, TYPE III. Identifiers: Orphanet 166096, MedGen C1264041, MONDO:0010191, OMIM 277480.

Allele frequency attached by ClinVar (database versions not stated): gnomAD exomes below 0.00001.
gnomAD v4.1: 2 of 1,614,236 alleles (0.00012%); highest among the groups gnomAD compares: Non-Finnish European, 0.00017%; no homozygotes.

Submissions (4):

NIHR Bioresource Rare Diseases, University of Cambridge
Classification: Likely pathogenic for von Willebrand disorder. Last evaluated: 2019-02-01. Review status: criteria provided, single submitter. Criteria: ACMG Guidelines, 2015. Collection method: research. Allele origin: unknown. Affected: yes. Observed: 1 heterozygote. Study: ThromboGenomics.

Angelo Bianchi Bonomi Hemophilia and Thrombosis Center, Fondazione IRCCS Ca Granda Ospedale Maggiore Policlinico
Classification: Likely pathogenic for von Willebrand disease type 3. Last evaluated: 2020-11-01. Review status: no assertion criteria provided. Collection method: clinical testing. Allele origin: germline. Affected: yes. Study: Type 3 Von Willebrand International Registries Inhibitor Prospective Study (3WINTERS-IPS). Not counted in ClinVar's aggregate classification.
Comment: ClinGen Pathogenicity Calculator

Academic Unit of Haematology, University of Sheffield
No classification provided. Review status: no classification provided. Collection method: not provided. Allele origin: not provided. Not counted in ClinVar's aggregate classification.

ISTH-SSC Genomics in Thrombosis and Hemostasis, KU Leuven, Center for Molecular and Vascular Biology
Classification: Uncertain significance for von Willebrand disorder. Review status: no assertion criteria provided. Collection method: clinical testing. Allele origin: unknown. Affected: yes. Not counted in ClinVar's aggregate classification.
Comment: Submitted to GoldVariant by Prof Kathleen Freson from Center for Molecular and Vascular Biology, Leuven, Belgium

Literature cited by the submitters: PubMed 31064749 (cited by NIHR Bioresource Rare Diseases, University of Cambridge).

NM_000552.5(VWF):c.449T>C (p.Leu150Pro)

Gene: VWF (von Willebrand factor; minus strand). Cytogenetic location: 12p13.31.
Variant type: single nucleotide variant.
Coding change: c.449T>C on transcript NM_000552.5 (MANE Select); coding-DNA position 449, T replaced by C.
Protein change: p.Leu150Pro; replaces leucine 150 with proline.
Molecular consequence: missense variant.
Genome position (GRCh38, 1-based): chr12:6,110,457, A>G on the plus strand (T>C on the coding strand, the complement: VWF is on the minus strand). VCF-style: chr12-6110457-A-G. GRCh37 (hg19) VCF-style: chr12-6219623-A-G.
Other names: short protein forms L150P.
Identifiers: ClinVar variation 100363 (VCV000100363.8), dbSNP rs61753994, ClinGen allele CA228603.